The following is an entry in ClinVar:

NM_002618.4(PEX13):c.26C>A (p.Pro9His)

Genes: PEX13 (peroxisomal biogenesis factor 13; plus strand), PUS10 (pseudouridine synthase 10; minus strand). Cytogenetic location: 2p15.
Variant type: single nucleotide variant.
Coding change: c.26C>A on transcript NM_002618.4 (MANE Select); coding-DNA position 26, C replaced by A.
Protein change: p.Pro9His; replaces proline 9 with histidine.
Molecular consequence: missense variant. On other transcripts: intron variant (2).
Genome position (GRCh38, 1-based): chr2:61,017,785, C>A. VCF-style: chr2-61017785-C-A. GRCh37 (hg19) VCF-style: chr2-61244920-C-A.
Other names: c.-16+223G>T (NM_144709.4); c.-623+223G>T (NM_001322127.1); c.26C>A (NM_002618.3); short protein forms P9H.
Identifiers: ClinVar variation 2144227 (VCV002144227.2), dbSNP rs764069625, ClinGen allele CA1673189.
Genomic context (GRCh38, chr2:61,017,785, plus strand): 5'-GGGGTAGGAGCGGGAGCCGAGAGGAGGCGGAGGAGATGGCGTCCCAGCCGCCACCTCCCC[C>A]CAAACCCTGGGAGACCCGCCGAATTCCGGGAGCCGGACCGGGACCAGGACCGGGCCCCAC-3'
Protein context (NP_002609.1, residues 1-19): MASQPPPP[Pro9His]KPWETRRIPG

ClinVar aggregate classification (germline): Uncertain significance. Review status: criteria provided, multiple submitters, no conflicts (2 of 4 stars). 2 submissions from 2 submitters: Uncertain significance (2). Last evaluated 2025-06-07.

Conditions:
Peroxisome biogenesis disorder 11A (Zellweger). Also called: Peroxisome biogenesis disorder 11A. Identifiers: Orphanet 912, MedGen C3554000, MONDO:0013949, OMIM 614883.
Inborn genetic diseases. Identifiers: MedGen C0950123, MeSH D030342.

Allele frequency attached by ClinVar (database versions not stated): ExAC 0.00007.
gnomAD v4.1: 14 of 1,550,210 alleles (0.0009%); highest among the groups gnomAD compares: Admixed American, 0.002%; no homozygotes.

Submissions (2):

Ambry Genetics
Classification: Uncertain significance for Inborn genetic diseases. Last evaluated: 2025-06-07. Review status: criteria provided, single submitter. Criteria: Ambry Variant Classification Scheme 2023. Collection method: clinical testing. Allele origin: germline.

Labcorp Genetics (formerly Invitae), Labcorp
Classification: Uncertain significance for Peroxisome biogenesis disorder 11A (Zellweger). Last evaluated: 2022-02-14. Review status: criteria provided, single submitter. Criteria: Invitae Variant Classification Sherloc (09022015). Collection method: clinical testing. Allele origin: germline.
Comment: This sequence change replaces proline, which is neutral and non-polar, with histidine, which is basic and polar, at codon 9 of the PEX13 protein (p.Pro9His). The frequency data for this variant in the population databases is considered unreliable, as metrics indicate poor data quality at this position in the gnomAD database. This variant has not been reported in the literature in individuals affected with PEX13-related conditions. Algorithms developed to predict the effect of missense changes on protein structure and function (SIFT, PolyPhen-2, Align-GVGD) all suggest that this variant is likely to be disruptive. In summary, the available evidence is currently insufficient to determine the role of this variant in disease. Therefore, it has been classified as a Variant of Uncertain Significance.